The following is an entry in ClinVar:

NM_000037.4(ANK1):c.1775del (p.Gly592fs)

Genes: ANK1 (ankyrin 1; minus strand), LOC126860369 (BRD4-independent group 4 enhancer GRCh37_chr8:41570734-41571933; plus strand). Cytogenetic location: 8p11.21.
Variant type: Deletion.
Coding change: c.1775del on transcript NM_000037.4 (MANE Select); coding-DNA position 1775, one base deleted (G; older notation c.1775delG).
Protein change: p.Gly592fs; shifts the reading frame from glycine 592.
Molecular consequence: frameshift variant.
Genome position (GRCh38, 1-based): chr8:41,714,181, C deleted on the plus strand (G on the coding strand, the reverse complement: ANK1 is on the minus strand); the first of 4 consecutive C bases (chr8:41,714,181-41,714,184); deleting any one gives the same sequence. VCF-style (leftmost placement, unchanged base first): chr8-41714180-GC-G. GRCh37 (hg19) VCF-style: chr8-41571698-GC-G.
Other names: c.1874del, p.Gly625fs (NM_001142446.2); c.1775del, p.Gly592fs (NM_020475.3, NM_020476.3, NM_020477.3); short protein forms G592fs, G625fs.
Identifiers: ClinVar variation 2636184 (VCV002636184.1), dbSNP rs2486900052, ClinGen allele CA2687069601.

ClinVar aggregate classification (germline): Pathogenic (1 of 4 stars; one submission).

Conditions:
ANK1-related disorder. Also called: ANK1-related condition.

Submission:

PreventionGenetics, part of Exact Sciences
Classification: Pathogenic for ANK1-related condition. Last evaluated: 2022-08-26. Review status: criteria provided, single submitter. Criteria: ACMG Guidelines, 2015. Collection method: clinical testing. Allele origin: germline.
Comment: The ANK1 c.1775delG variant is predicted to result in a frameshift and premature protein termination (p.Gly592Alafs*45). This variant, previously reported as c.1874del (p.Gly625Alsfs*45 using a different transcript NM_001142446.1, occurred de novo in a patient with hereditary spherocytosis (Aggarwal et al 2020. PubMed ID: 31602632). This variant has not been reported in a large population database, indicating this variant is rare. Frameshift variants in ANK1 are expected to be pathogenic. This variant is interpreted as pathogenic.